The following is an entry in ClinVar:

NM_004214.5(FIBP):c.675C>T (p.Asp225=)

Gene: FIBP (FGF1 intracellular binding protein; minus strand). Cytogenetic location: 11q13.1.
Variant type: single nucleotide variant.
Coding change: c.675C>T on transcript NM_004214.5 (MANE Select); coding-DNA position 675, C replaced by T.
Protein change: p.Asp225=; no amino-acid change (aspartic acid 225 retained).
Molecular consequence: synonymous variant.
Genome position (GRCh38, 1-based): chr11:65,885,158, G>A on the plus strand (C>T on the coding strand, the complement: FIBP is on the minus strand). VCF-style: chr11-65885158-G-A. GRCh37 (hg19) VCF-style: chr11-65652629-G-A.
Other names: c.696C>T, p.Asp232= (NM_198897.2).
Identifiers: ClinVar variation 3238989 (VCV003238989.19), dbSNP rs371052475.

ClinVar aggregate classification (germline): Likely benign (1 of 4 stars; one submission).

Allele frequency attached by ClinVar (database versions not stated): ExAC 0.00001; gnomAD exomes 0.00001; TOPMed 0.00002; gnomAD 0.00003; ESP Exome Variant Server 0.00008.
gnomAD v4.1: 24 of 1,547,348 alleles (0.0016%); highest among the groups gnomAD compares: Non-Finnish European, 0.002%; no homozygotes.

Submission:

CeGaT Center for Human Genetics Tuebingen
Classification: Likely benign. Last evaluated: 2025-12-01. Review status: criteria provided, single submitter. Criteria: CeGaT Center For Human Genetics Tuebingen Variant Classification Criteria Version 2. Collection method: clinical testing. Allele origin: germline. Affected: yes. Observed: 2 variant alleles.
Comment: FIBP: BP4, BP7